The following is an entry in ClinVar:

ClinVar aggregate classification (germline): Uncertain significance (1 of 4 stars; one submission).

Conditions:
Hypertrophic cardiomyopathy 26. Also called: Cardiomyopathy, familial hypertrophic, 26. Identifiers: Orphanet 75249, MedGen C4310749, MONDO:0014883, OMIM 617047.
Myofibrillar myopathy 5. Also called: Filaminopathy (type); FILAMINOPATHY, AUTOSOMAL DOMINANT. Identifiers: Orphanet 171445, MedGen C1836050, MONDO:0012289, OMIM 609524.
Distal myopathy with posterior leg and anterior hand involvement. Also called: WILLIAMS DISTAL MYOPATHY. Identifiers: Orphanet 63273, MedGen C3279722, MONDO:0013550, OMIM 614065.

Allele frequency attached by ClinVar (database versions not stated): gnomAD exomes below 0.00001.
gnomAD v4.1: 6 of 1,613,006 alleles (0.00037%); highest among the groups gnomAD compares: Admixed American, 0.0017%; no homozygotes.

Submission:

Labcorp Genetics (formerly Invitae), Labcorp
Classification: Uncertain significance for Distal myopathy with posterior leg and anterior hand involvement; Myofibrillar myopathy 5; Hypertrophic cardiomyopathy 26. Last evaluated: 2023-04-09. Review status: criteria provided, single submitter. Criteria: Invitae Variant Classification Sherloc (09022015). Collection method: clinical testing. Allele origin: germline.
Comment: In summary, the available evidence is currently insufficient to determine the role of this variant in disease. Therefore, it has been classified as a Variant of Uncertain Significance. Advanced modeling of protein sequence and biophysical properties (such as structural, functional, and spatial information, amino acid conservation, physicochemical variation, residue mobility, and thermodynamic stability) has been performed at Invitae for this missense variant, however the output from this modeling did not meet the statistical confidence thresholds required to predict the impact of this variant on FLNC protein function. This variant has not been reported in the literature in individuals affected with FLNC-related conditions. This variant is not present in population databases (gnomAD no frequency). This sequence change replaces methionine, which is neutral and non-polar, with threonine, which is neutral and polar, at codon 444 of the FLNC protein (p.Met444Thr).

NM_001458.5(FLNC):c.1331T>C (p.Met444Thr)

Gene: FLNC (filamin C; plus strand). Cytogenetic location: 7q32.1.
Variant type: single nucleotide variant.
Coding change: c.1331T>C on transcript NM_001458.5 (MANE Select); coding-DNA position 1331, T replaced by C.
Protein change: p.Met444Thr; replaces methionine 444 with threonine.
Molecular consequence: missense variant.
Genome position (GRCh38, 1-based): chr7:128,838,723, T>C. VCF-style: chr7-128838723-T-C. GRCh37 (hg19) VCF-style: chr7-128478777-T-C.
Other names: c.1331T>C, p.Met444Thr (NM_001127487.2); short protein forms M444T.
Identifiers: ClinVar variation 2936534 (VCV002936534.3), dbSNP rs2536622312, ClinGen allele CA369224867.